The following is an entry in ClinVar:

ClinVar aggregate classification (germline): Conflicting classifications of pathogenicity. Review status: criteria provided, conflicting classifications (1 of 4 stars). 2 submissions from 2 submitters: Uncertain significance (1); Likely benign (1). Last evaluated 2025-11-21.

Conditions:
Charcot-Marie-Tooth disease type 2. Also called: Charcot-Marie-Tooth type 2. Identifiers: Orphanet 64746, MedGen C0270914, MONDO:0018993.
Cardiomyopathy (CMYO). Also called: Cardiomyopathies. Identifiers: Orphanet 167848, MedGen C0878544, MONDO:0004994, HP:0001638. Inheritance: Various modes of inheritance.

Allele frequency attached by ClinVar (database versions not stated): gnomAD exomes 0.00001; ExAC 0.00005.
gnomAD v4.1: 6 of 1,556,436 alleles (0.00039%); highest among the groups gnomAD compares: South Asian, 0.0071%; no homozygotes.

Submissions (2):

Labcorp Genetics (formerly Invitae), Labcorp
Classification: Uncertain significance for Charcot-Marie-Tooth disease type 2. Last evaluated: 2025-11-21. Review status: criteria provided, single submitter. Criteria: Invitae Variant Classification Sherloc (09022015). Collection method: clinical testing. Allele origin: germline.
Comment: This sequence change replaces valine, which is neutral and non-polar, with methionine, which is neutral and non-polar, at codon 549 of the LMNA protein (p.Val549Met). The frequency data for this variant in the population databases is considered unreliable, as metrics indicate poor data quality at this position in the gnomAD database. This variant has not been reported in the literature in individuals affected with LMNA-related conditions. ClinVar contains an entry for this variant (Variation ID: 838846). An algorithm developed to predict the effect of missense changes on protein structure and function outputs the following: PolyPhen-2: "Benign". The methionine amino acid residue is found in multiple mammalian species, which suggests that this missense change does not adversely affect protein function. In summary, the available evidence is currently insufficient to determine the role of this variant in disease. Therefore, it has been classified as a Variant of Uncertain Significance.

Color Diagnostics, LLC DBA Color Health
Classification: Likely benign for Cardiomyopathy. Last evaluated: 2024-09-06. Review status: criteria provided, single submitter. Criteria: ACMG Guidelines, 2015. Collection method: clinical testing. Allele origin: germline.

NM_170707.4(LMNA):c.1645G>A (p.Val549Met)

Gene: LMNA (lamin A/C; plus strand). Cytogenetic location: 1q22.
Variant type: single nucleotide variant.
Coding change: c.1645G>A on transcript NM_170707.4 (MANE Select); coding-DNA position 1645, G replaced by A.
Protein change: p.Val549Met; replaces valine 549 with methionine.
Molecular consequence: missense variant. On other transcripts: intron variant (1).
Genome position (GRCh38, 1-based): chr1:156,137,690, G>A. VCF-style: chr1-156137690-G-A. GRCh37 (hg19) VCF-style: chr1-156107481-G-A.
Other names: c.1309G>A, p.Val437Met (NM_001257374.3); c.1402G>A, p.Val468Met (NM_001282624.2); c.1645G>A, p.Val549Met (NM_001282625.2, NM_001282626.2, NM_005572.4); c.1608+458G>A (NM_170708.4); short protein forms V437M, V468M, V549M.
Identifiers: ClinVar variation 838846 (VCV000838846.12), dbSNP rs781774834, ClinGen allele CA050866.